The following is an entry in ClinVar:

NM_000264.5(PTCH1):c.1474G>A (p.Gly492Arg)

Gene: PTCH1 (patched 1; minus strand). Cytogenetic location: 9q22.32.
Variant type: single nucleotide variant.
Coding change: c.1474G>A on transcript NM_000264.5 (MANE Select); coding-DNA position 1474, G replaced by A.
Protein change: p.Gly492Arg; replaces glycine 492 with arginine.
Molecular consequence: missense variant. On other transcripts: non-coding transcript variant (1), intron variant (1).
Genome position (GRCh38, 1-based): chr9:95,477,576, C>T on the plus strand (G>A on the coding strand, the complement: PTCH1 is on the minus strand). VCF-style: chr9-95477576-C-T. GRCh37 (hg19) VCF-style: chr9-98239858-C-T.
Other names: c.1276G>A, p.Gly426Arg (NM_001083602.3); c.1471G>A, p.Gly491Arg (NM_001083603.3); c.1021G>A, p.Gly341Arg (NM_001083604.3, NM_001083605.3, NM_001083606.3 and 1 more transcripts); c.1347+479G>A (NM_001354918.2); c.1474G>A (NM_000264.4); short protein forms G341R, G426R, G491R, G492R.
Identifiers: ClinVar variation 1334370 (VCV001334370.9), dbSNP rs2118303660, ClinGen allele CA374118432.

ClinVar aggregate classification (germline): Uncertain significance. Review status: criteria provided, multiple submitters, no conflicts (2 of 4 stars). 5 submissions from 5 submitters: Uncertain significance (5). Last evaluated 2026-02-06.

Conditions:
Gorlin syndrome. Also called: Nevoid Basal Cell Carcinoma Syndrome; Basal cell nevus syndrome. Identifiers: Orphanet 377, MedGen C0004779, MONDO:0007187.
Hereditary cancer-predisposing syndrome. Also called: Neoplastic Syndromes, Hereditary; Hereditary Cancer Syndrome; Hereditary neoplastic syndrome; Tumor predisposition. Identifiers: Orphanet 140162, MedGen C0027672, MeSH D009386, MONDO:0015356.

Submissions (5):

GeneDx
Classification: Uncertain significance. Last evaluated: 2026-02-06. Review status: criteria provided, single submitter. Criteria: GeneDx Variant Classification Process June 2021. Collection method: clinical testing. Allele origin: germline. Affected: yes.
Comment: Not observed at significant frequency in large population cohorts (gnomAD); In silico analysis supports that this missense variant has a deleterious effect on protein structure/function; Has not been previously published as pathogenic or benign to our knowledge; This variant is associated with the following publications: (PMID: 11369205)

Ambry Genetics
Classification: Uncertain significance for Hereditary cancer-predisposing syndrome. Last evaluated: 2025-12-23. Review status: criteria provided, single submitter. Criteria: Ambry Variant Classification Scheme 2023. Collection method: clinical testing. Allele origin: germline.
Comment: The p.G492R variant (also known as c.1474G>A), located in coding exon 10 of the PTCH1 gene, results from a G to A substitution at nucleotide position 1474. The glycine at codon 492 is replaced by arginine, an amino acid with dissimilar properties. This amino acid position is highly conserved in available vertebrate species. In addition, this alteration is predicted to be deleterious by in silico analysis. Based on the available evidence, the clinical significance of this variant remains unclear.

Quest Diagnostics Nichols Institute San Juan Capistrano
Classification: Uncertain significance. Last evaluated: 2025-05-05. Review status: criteria provided, single submitter. Criteria: Quest Diagnostics criteria. Collection method: clinical testing. Allele origin: unknown.
Comment: The PTCH1 c.1474G>A (p.Gly492Arg) variant has not been reported in individuals with PTCH1-related conditions in the published literature. It also has not been reported in large, multi-ethnic general populations (Genome Aggregation Database). Analysis of this variant using bioinformatics tools for the prediction of the effect of amino acid changes on protein structure and function yielded predictions that this variant is damaging. Based on the available information, we are unable to determine the clinical significance of this variant.

Labcorp Genetics (formerly Invitae), Labcorp
Classification: Uncertain significance for Gorlin syndrome. Last evaluated: 2025-01-22. Review status: criteria provided, single submitter. Criteria: Invitae Variant Classification Sherloc (09022015). Collection method: clinical testing. Allele origin: germline.
Comment: This sequence change replaces glycine, which is neutral and non-polar, with arginine, which is basic and polar, at codon 492 of the PTCH1 protein (p.Gly492Arg). This variant is not present in population databases (gnomAD no frequency). This variant has not been reported in the literature in individuals affected with PTCH1-related conditions. ClinVar contains an entry for this variant (Variation ID: 1334370). Invitae Evidence Modeling of protein sequence and biophysical properties (such as structural, functional, and spatial information, amino acid conservation, physicochemical variation, residue mobility, and thermodynamic stability) has been performed for this missense variant. However, the output from this modeling did not meet the statistical confidence thresholds required to predict the impact of this variant on PTCH1 protein function. In summary, the available evidence is currently insufficient to determine the role of this variant in disease. Therefore, it has been classified as a Variant of Uncertain Significance.

Blueprint Genetics
Classification: Uncertain significance. Last evaluated: 2020-12-07. Review status: criteria provided, single submitter. Criteria: ACMG Guidelines, 2015. Collection method: clinical testing. Allele origin: germline.